The following is an entry in ClinVar:

NM_001267550.2(TTN):c.62722C>T (p.Arg20908Ter)

Genes: TTN (titin; minus strand), TTN-AS1 (TTN antisense RNA 1; plus strand). Cytogenetic location: 2q31.2.
Variant type: single nucleotide variant.
Coding change: c.62722C>T on transcript NM_001267550.2 (MANE Select); coding-DNA position 62722, C replaced by T.
Protein change: p.Arg20908Ter; replaces arginine 20908 with a stop codon.
Molecular consequence: nonsense.
Genome position (GRCh38, 1-based): chr2:178,589,003, G>A on the plus strand (C>T on the coding strand, the complement: TTN is on the minus strand). VCF-style: chr2-178589003-G-A. GRCh37 (hg19) VCF-style: chr2-179453730-G-A.
Other names: c.62722C>T (LRG_391t1); c.57799C>T, p.Arg19267Ter (NM_001256850.1); c.35527C>T, p.Arg11843Ter (NM_003319.4); c.55018C>T, p.Arg18340Ter (NM_133378.4); c.35902C>T, p.Arg11968Ter (NM_133432.3); c.36103C>T, p.Arg12035Ter (NM_133437.4); short protein forms R20908*, R19267*, R18340*, R12035*, R11843*, R11968*.
Identifiers: ClinVar variation 242424 (VCV000242424.54), dbSNP rs543860009, ClinGen allele CA16602263.

ClinVar aggregate classification (germline): Pathogenic/Likely pathogenic. Review status: criteria provided, multiple submitters, no conflicts (2 of 4 stars). 8 submissions from 8 submitters: Pathogenic (1); Likely pathogenic (7). Last evaluated 2025-05-02.

Conditions:
Cardiovascular phenotype. Identifiers: MedGen CN230736.
TTN-related disorder. Also called: TTN-related disorders; TTN-related condition; TTN-related disease.
Dilated cardiomyopathy 1G (CMD1G). Identifiers: Orphanet 154, MedGen C1858763, MONDO:0011400, OMIM 604145.
Autosomal recessive limb-girdle muscular dystrophy type 2J (LGMDR10). Also called: Limb-girdle muscular dystrophy, type 2J; MUSCULAR DYSTROPHY, LIMB-GIRDLE, AUTOSOMAL RECESSIVE 10. Identifiers: Orphanet 140922, MedGen C1837342, MONDO:0012127, OMIM 608807.
Tibial muscular dystrophy (TMD). Also called: UDD MYOPATHY; Tibial muscular dystrophy, tardive; Udd Distal Myopathy – Tibial Muscular Dystrophy. Identifiers: Orphanet 609, MedGen C1838244, MONDO:0010870, OMIM 600334.

gnomAD v4.1: 1 of 1,611,284 alleles (0.000062%); highest among the groups gnomAD compares: Non-Finnish European, 0.000085%; no homozygotes.

Submissions (8):

GeneDx
Classification: Likely pathogenic. Last evaluated: 2025-05-02. Review status: criteria provided, single submitter. Criteria: GeneDx Variant Classification Process June 2021. Collection method: clinical testing. Allele origin: germline. Affected: yes.
Comment: Observed with a second TTN variant in a patient with a clinical diagnosis of limb-girdle muscular dystrophy, but it is not known whether the variants occurred on the same (in cis) or on different (in trans) chromosomes (PMID: 27854218); Located in the A-band, a region of TTN for which truncating variants are significantly associated with autosomal dominant cardiomyopathy and also with autosomal recessive skeletal myopathies (PMID: 22335739, 32778822); Nonsense variant predicted to result in protein truncation or nonsense mediated decay in a gene for which loss of function is a known mechanism of disease; Not observed at significant frequency in large population cohorts (gnomAD); This variant is associated with the following publications: (PMID: 22335739, 32778822, 38523675, 37652022, 27854218, 27532257)

Labcorp Genetics (formerly Invitae), Labcorp
Classification: Likely pathogenic for Dilated cardiomyopathy 1G; Autosomal recessive limb-girdle muscular dystrophy type 2J. Last evaluated: 2025-02-27. Review status: criteria provided, single submitter. Criteria: Invitae Variant Classification Sherloc (09022015). Collection method: clinical testing. Allele origin: germline.
Comment: This sequence change creates a premature translational stop signal (p.Arg20908*) in the TTN gene. While this is not anticipated to result in nonsense mediated decay, it is expected to create a truncated TTN protein. This variant is not present in population databases (gnomAD no frequency). This premature translational stop signal has been observed in individual(s) with limb-girdle muscular dystrophy and other TTN-related conditions (PMID: 27532257, 27854218). ClinVar contains an entry for this variant (Variation ID: 242424). This variant is located in the A band of TTN (PMID: 25589632). Truncating variants in this region are significantly overrepresented in patients affected with dilated cardiomyopathy (PMID: 25589632). Truncating variants in this region have also been reported in individuals affected with autosomal recessive centronuclear myopathy (PMID: 23975875). In summary, the currently available evidence indicates that the variant is pathogenic, but additional data are needed to prove that conclusively. Therefore, this variant has been classified as Likely Pathogenic.

Baylor Genetics
Classification: Likely pathogenic for Tibial muscular dystrophy. Last evaluated: 2024-02-11. Review status: criteria provided, single submitter. Criteria: ACMG Guidelines, 2015. Collection method: clinical testing. Allele origin: unknown.

Ambry Genetics
Classification: Likely pathogenic for Cardiovascular phenotype. Last evaluated: 2023-08-09. Review status: criteria provided, single submitter. Criteria: Ambry Variant Classification Scheme 2023. Collection method: clinical testing. Allele origin: germline.
Comment: The p.R11843* variant (also known as c.35527C>T), located in coding exon 131 of the TTN gene, results from a C to T substitution at nucleotide position 35527. This changes the amino acid from an arginine to a stop codon within coding exon 131. This exon is located in the A-band region of the N2-B isoform of the titin protein and is constitutively expressed in TTN transcripts (percent spliced in or PSI 100%). This variant (also referred to as NM_001267550:c.62722C>T, p.R20908*) has been detected in an individual from a dilated cardiomyopathy genetic testing cohort (Walsh R et al. Genet Med, 2017 Feb;19:192-203), and co-occurred with a second TTN variant in an individual with limb-girdle muscular dystrophy and cardiac findings (Punetha J et al. J Neuromuscul Dis, 2016 May;3:209-225). This variant is considered to be rare based on population cohorts in the Genome Aggregation Database (gnomAD). This alteration is expected to result in loss of function by premature protein truncation or nonsense-mediated mRNA decay. While truncating variants in TTN are present in 1-3% of the general population, truncating variants in the A-band are the most common cause of dilated cardiomyopathy (DCM) (Herman DS et al. N. Engl. J. Med., 2012 Feb;366:619-28; Roberts AM et al. Sci Transl Med, 2015 Jan;7:270ra6). TTN truncating variants encoded in constitutive exons (PSI >90%) have been found to be significantly associated with DCM regardless of their position in titin (Schafer S et al. Nat. Genet., 2017 01;49:46-53). Based on the majority of available evidence to date, this variant is likely to be pathogenic.

CeGaT Center for Human Genetics Tuebingen
Classification: Likely pathogenic. Last evaluated: 2022-03-01. Review status: criteria provided, single submitter. Criteria: CeGaT Center For Human Genetics Tuebingen Variant Classification Criteria Version 2. Collection method: clinical testing. Allele origin: germline. Affected: yes. Observed: 1 variant allele.
Comment: TTN: PVS1:Strong, PM2

Blueprint Genetics
Classification: Likely pathogenic for TTN-related disorders. Last evaluated: 2020-01-08. Review status: criteria provided, single submitter. Criteria: ACMG Guidelines, 2015. Collection method: clinical testing. Allele origin: germline. Affected: yes. Observed: 1 variant allele.

Revvity Omics, Revvity
Classification: Likely pathogenic. Last evaluated: 2019-07-12. Review status: criteria provided, single submitter. Criteria: ACMG Guidelines, 2015. Collection method: clinical testing. Allele origin: germline.

Undiagnosed Diseases Network, NIH
Classification: Pathogenic for Autosomal recessive limb-girdle muscular dystrophy type 2J. Last evaluated: 2018-12-05. Review status: criteria provided, single submitter. Criteria: ACMG Guidelines, 2015. Collection method: clinical testing. Allele origin: maternal. Inheritance: Autosomal recessive inheritance. Affected: yes. Observed: 1 variant allele, 1 compound heterozygote.
Comment: A heterozygous c.95252_95254delCAA (p.T31751del) likely pathogenic variant in the TTN gene was also detected. A heterozygous c.74698A>C (p.K24900Q) variant was also detected and found to be likely benign. The c.55018C>T (p.R18340X) variant is in trans configuration with the c.95252_95254delCAA (p.T31751del) and c.74698A>C (p.K24900Q) variants.

Literature cited by the submitters: PubMed 27532257 (cited by Labcorp Genetics (formerly Invitae), Labcorp and Ambry Genetics); PubMed 27854218 (cited by Labcorp Genetics (formerly Invitae), Labcorp and Ambry Genetics); PubMed 25589632 (cited by Labcorp Genetics (formerly Invitae), Labcorp); PubMed 23975875 (cited by Labcorp Genetics (formerly Invitae), Labcorp).